The following is an entry in ClinVar:

NM_144991.3(TSPEAR):c.192C>T (p.Ala64=)

Gene: TSPEAR (thrombospondin type laminin G domain and EAR repeats; minus strand). Cytogenetic location: 21q22.3.
Variant type: single nucleotide variant.
Coding change: c.192C>T on transcript NM_144991.3 (MANE Select); coding-DNA position 192, C replaced by T.
Protein change: p.Ala64=; no amino-acid change (alanine 64 retained).
Molecular consequence: synonymous variant. On other transcripts: 5 prime UTR variant (1).
Genome position (GRCh38, 1-based): chr21:44,567,896, G>A on the plus strand (C>T on the coding strand, the complement: TSPEAR is on the minus strand). VCF-style: chr21-44567896-G-A. GRCh37 (hg19) VCF-style: chr21-45987780-G-A.
Other names: c.-13C>T (NM_001272037.2).
Identifiers: ClinVar variation 1199971 (VCV001199971.6), dbSNP rs370672423, ClinGen allele CA10058070.

ClinVar aggregate classification (germline): Likely benign. Review status: criteria provided, multiple submitters, no conflicts (2 of 4 stars). 4 submissions from 4 submitters: Likely benign (4). Last evaluated 2025-12-15.

Conditions:
TSPEAR-related disorder. Also called: TSPEAR-related condition.

Allele frequency attached by ClinVar (database versions not stated): gnomAD exomes 0.00006; ExAC 0.00007; gnomAD 0.00007; ESP Exome Variant Server 0.00008; TOPMed 0.00008.
gnomAD v4.1: 100 of 1,608,212 alleles (0.0062%); highest among the groups gnomAD compares: Middle Eastern, 0.083%; no homozygotes.

Submissions (4):

PreventionGenetics, part of Exact Sciences
Classification: Likely benign for TSPEAR-related condition. Last evaluated: 2025-12-15. Review status: criteria provided, single submitter. Criteria: ACMG Guidelines, 2015. Collection method: clinical testing. Allele origin: germline.
Comment: This variant is classified as likely benign based on ACMG/AMP sequence variant interpretation guidelines (Richards et al. 2015 PMID: 25741868, with internal and published modifications).

Labcorp Genetics (formerly Invitae), Labcorp
Classification: Likely benign. Last evaluated: 2025-07-22. Review status: criteria provided, single submitter. Criteria: Invitae Variant Classification Sherloc (09022015). Collection method: clinical testing. Allele origin: germline.

GeneDx
Classification: Likely benign. Last evaluated: 2020-04-14. Review status: criteria provided, single submitter. Criteria: GeneDx Variant Classification Process June 2021. Collection method: clinical testing. Allele origin: germline. Affected: yes.

Breakthrough Genomics
Classification: Likely benign. Review status: criteria provided, single submitter. Criteria: ACMG Guidelines, 2015. Collection method: not provided. Allele origin: germline. Inheritance: Autosomal recessive inheritance. Affected: yes.